The following is an entry in ClinVar:

NM_001048174.2(MUTYH):c.983T>G (p.Val328Gly)

Gene: MUTYH (mutY DNA glycosylase; minus strand). Cytogenetic location: 1p34.1.
Variant type: single nucleotide variant.
Coding change: c.983T>G on transcript NM_001048174.2 (MANE Select); coding-DNA position 983, T replaced by G.
Protein change: p.Val328Gly; replaces valine 328 with glycine.
Molecular consequence: missense variant. On other transcripts: non-coding transcript variant (2).
Genome position (GRCh38, 1-based): chr1:45,331,780, A>C on the plus strand (T>G on the coding strand, the complement: MUTYH is on the minus strand). VCF-style: chr1-45331780-A-C. GRCh37 (hg19) VCF-style: chr1-45797452-A-C.
Other names: c.983T>G, p.Val328Gly (NM_001048171.2, NM_001048173.2, NM_001293195.2); c.986T>G, p.Val329Gly (NM_001048172.2); c.1067T>G, p.Val356Gly (NM_001128425.2); c.1028T>G, p.Val343Gly (NM_001293190.2); c.1016T>G, p.Val339Gly (NM_001293191.2); c.707T>G, p.Val236Gly (NM_001293192.2, NM_001293196.2); c.638T>G, p.Val213Gly (NM_001350650.2, NM_001350651.2); c.1058T>G, p.Val353Gly (NM_012222.3); short protein forms V236G, V329G, V356G, V343G, V213G, V328G, V353G, V339G.
Identifiers: ClinVar variation 963754 (VCV000963754.14), dbSNP rs1644920219, ClinGen allele CA340133695.
Genomic context (GRCh38, chr1:45,331,780, plus strand): 5'-ACACAGGTGGCAGAGCTCTCCTCCCTGGGGGGCTTGCGGCTGGCCTTTCTGGGGAAGTTG[A>C]CCACTCCCAGGGTCTGGTCCCAGGGCTCCGAGGGAGGCAGGCACAGGTGGCACTGTCCAG-3'
Protein context (NP_001041639.1, residues 318-338): SEPWDQTLGV[Val328Gly]NFPRKASRKP

ClinVar aggregate classification (germline): Conflicting classifications of pathogenicity. Review status: criteria provided, conflicting classifications (1 of 4 stars). 2 submissions from 2 submitters: Uncertain significance (1); Benign (1). Last evaluated 2025-09-09.

Conditions:
Familial adenomatous polyposis 2. Also called: COLORECTAL ADENOMATOUS POLYPOSIS, AUTOSOMAL RECESSIVE; ADENOMAS, MULTIPLE COLORECTAL, AUTOSOMAL RECESSIVE; MYH-associated polyposis; FAP type 2; MUTYH-associated polyposis; MUTYH-related attenuated familial adenomatous polyposis. Identifiers: Orphanet 220460, Orphanet 247798, MedGen C3272841, MONDO:0012041, OMIM 608456.
Hereditary cancer-predisposing syndrome. Also called: Tumor predisposition; Hereditary Cancer Syndrome; Neoplastic Syndromes, Hereditary; Hereditary neoplastic syndrome. Identifiers: Orphanet 140162, MedGen C0027672, MeSH D009386, MONDO:0015356.

Allele frequency attached by ClinVar (database versions not stated): TOPMed below 0.00001.

Submissions (2):

Ambry Genetics
Classification: Benign for Hereditary cancer-predisposing syndrome. Last evaluated: 2025-09-09. Review status: criteria provided, single submitter. Criteria: Ambry Variant Classification Scheme 2023. Collection method: clinical testing. Allele origin: germline.

Labcorp Genetics (formerly Invitae), Labcorp
Classification: Uncertain significance for Familial adenomatous polyposis 2. Last evaluated: 2025-02-06. Review status: criteria provided, single submitter. Criteria: Invitae Variant Classification Sherloc (09022015). Collection method: clinical testing. Allele origin: germline.
Comment: This sequence change replaces valine, which is neutral and non-polar, with glycine, which is neutral and non-polar, at codon 356 of the MUTYH protein (p.Val356Gly). This variant is not present in population databases (gnomAD no frequency). This variant has not been reported in the literature in individuals affected with MUTYH-related conditions. ClinVar contains an entry for this variant (Variation ID: 963754). An algorithm developed to predict the effect of missense changes on protein structure and function (PolyPhen-2) suggests that this variant is likely to be tolerated. In summary, the available evidence is currently insufficient to determine the role of this variant in disease. Therefore, it has been classified as a Variant of Uncertain Significance.

Literature cited by the submitters: PubMed 40738107 (cited by Ambry Genetics).